The following is an entry in ClinVar:

ClinVar aggregate classification (germline): Uncertain significance. Review status: criteria provided, multiple submitters, no conflicts (2 of 4 stars). 2 submissions from 2 submitters: Uncertain significance (2). Last evaluated 2025-10-29.

Conditions:
Inborn genetic diseases. Identifiers: MedGen C0950123, MeSH D030342.

Allele frequency attached by ClinVar (database versions not stated): gnomAD 0.00001; ESP Exome Variant Server 0.00008; ExAC 0.00001; TOPMed 0.00001; gnomAD exomes 0.00002.
gnomAD v4.1: 26 of 1,614,032 alleles (0.0016%); highest among the groups gnomAD compares: Non-Finnish European, 0.0022%; no homozygotes.

Submissions (2):

Labcorp Genetics (formerly Invitae), Labcorp
Classification: Uncertain significance. Last evaluated: 2025-10-29. Review status: criteria provided, single submitter. Criteria: Invitae Variant Classification Sherloc (09022015). Collection method: clinical testing. Allele origin: germline.
Comment: This sequence change replaces cysteine, which is neutral and slightly polar, with arginine, which is basic and polar, at codon 88 of the MBD4 protein (p.Cys88Arg). This variant is present in population databases (rs373768718, gnomAD 0.002%). This variant has not been reported in the literature in individuals affected with MBD4-related conditions. ClinVar contains an entry for this variant (Variation ID: 2872797). An algorithm developed to predict the effect of missense changes on protein structure and function (PolyPhen-2) suggests that this variant is likely to be tolerated. In summary, the available evidence is currently insufficient to determine the role of this variant in disease. Therefore, it has been classified as a Variant of Uncertain Significance.

Ambry Genetics
Classification: Uncertain significance for Inborn genetic diseases. Last evaluated: 2025-03-07. Review status: criteria provided, single submitter. Criteria: Ambry Variant Classification Scheme 2023. Collection method: clinical testing. Allele origin: germline.
Comment: The p.C88R variant (also known as c.262T>C), located in coding exon 2 of the MBD4 gene, results from a T to C substitution at nucleotide position 262. The cysteine at codon 88 is replaced by arginine, an amino acid with highly dissimilar properties. This amino acid position is well conserved in available vertebrate species. In addition, the in silico prediction for this alteration is inconclusive. Based on the available evidence, the clinical significance of this variant remains unclear.

NM_001276270.2(MBD4):c.262T>C (p.Cys88Arg)

Gene: MBD4 (methyl-CpG binding domain 4, DNA glycosylase; minus strand). Cytogenetic location: 3q21.3.
Variant type: single nucleotide variant.
Coding change: c.262T>C on transcript NM_001276270.2 (MANE Select); coding-DNA position 262, T replaced by C.
Protein change: p.Cys88Arg; replaces cysteine 88 with arginine.
Molecular consequence: missense variant. On other transcripts: intron variant (1).
Genome position (GRCh38, 1-based): chr3:129,437,793, A>G on the plus strand (T>C on the coding strand, the complement: MBD4 is on the minus strand). VCF-style: chr3-129437793-A-G. GRCh37 (hg19) VCF-style: chr3-129156636-A-G.
Other names: c.262T>C, p.Cys88Arg (NM_001276271.2, NM_001276272.2, NM_003925.3); c.247+15T>C (NM_001276273.2); short protein forms C88R.
Identifiers: ClinVar variation 2872797 (VCV002872797.4), dbSNP rs373768718, ClinGen allele CA2605568.
Genomic context (GRCh38, chr3:129,437,793, plus strand): 5'-CATCAAATCTTCCTGCTGTCTTCCCAAATAACCTTTGCTTCACAACTCTTTCCCATCCAC[A>G]TGGGACAGACTTACGGCATTCTGTTCCTGCAGTAGCACCAAACTGAGCAGAAGCGATGGG-3'
Protein context (NP_001263199.1, residues 78-98): AGTECRKSVP[Cys88Arg]GWERVVKQRL